The following is an entry in ClinVar:

ClinVar aggregate classification (germline): Uncertain significance (1 of 4 stars; one submission).

Conditions:
Long QT syndrome (LQTS). Identifiers: MedGen C0023976, MeSH D008133, MONDO:0002442. Disease mechanism: loss of function. Inheritance: Various modes of inheritance.

Submission:

Labcorp Genetics (formerly Invitae), Labcorp
Classification: Uncertain significance for Long QT syndrome. Last evaluated: 2024-09-29. Review status: criteria provided, single submitter. Criteria: Invitae Variant Classification Sherloc (09022015). Collection method: clinical testing. Allele origin: germline.
Comment: This sequence change creates a premature translational stop signal (p.Asp1706Glufs*26) in the AKAP9 gene. It is expected to result in an absent or disrupted protein product. However, the current clinical and genetic evidence is not sufficient to establish whether loss-of-function variants in AKAP9 cause disease. This variant is not present in population databases (gnomAD no frequency). This variant has not been reported in the literature in individuals affected with AKAP9-related conditions. In summary, the available evidence is currently insufficient to determine the role of this variant in disease. Therefore, it has been classified as a Variant of Uncertain Significance.

NM_005751.5(AKAP9):c.5118_5121del (p.Asp1706fs)

Gene: AKAP9 (A-kinase anchoring protein 9; plus strand). Cytogenetic location: 7q21.2.
Variant type: Deletion.
Coding change: c.5118_5121del on transcript NM_005751.5 (MANE Select); coding-DNA positions 5118 to 5121, 4 bases deleted (CAGA; older notation c.5118_5121delCAGA).
Protein change: p.Asp1706fs; shifts the reading frame from aspartic acid 1706.
Molecular consequence: frameshift variant.
Genome position (GRCh38, 1-based): chr7:92,042,727-92,042,730, CAGA deleted; deleting any 4 consecutive bases within chr7:92,042,724-92,042,730 gives the same sequence; the c. name uses the placement nearest the transcript's 3' end. VCF-style (leftmost placement, unchanged base first): chr7-92042723-TAGAC-T. GRCh37 (hg19) VCF-style: chr7-91672037-TAGAC-T.
Other names: c.5118_5121del, p.Asp1706fs (NM_147185.3); short protein forms D1706fs.
Identifiers: ClinVar variation 3714325 (VCV003714325.2).